The following is an entry in ClinVar:

NM_017617.5(NOTCH1):c.7417G>A (p.Val2473Ile)

Gene: NOTCH1 (notch receptor 1; minus strand). Cytogenetic location: 9q34.3.
Variant type: single nucleotide variant.
Coding change: c.7417G>A on transcript NM_017617.5 (MANE Select); coding-DNA position 7417, G replaced by A.
Protein change: p.Val2473Ile; replaces valine 2473 with isoleucine.
Molecular consequence: missense variant.
Genome position (GRCh38, 1-based): chr9:136,496,322, C>T on the plus strand (G>A on the coding strand, the complement: NOTCH1 is on the minus strand). VCF-style: chr9-136496322-C-T. GRCh37 (hg19) VCF-style: chr9-139390774-C-T.
Other names: c.7417G>A, p.Val2473Ile (LRG_1122t1); c.7417G>A (NM_017617.4); short protein forms V2473I.
Identifiers: ClinVar variation 648273 (VCV000648273.12), dbSNP rs1358523874, ClinGen allele CA375626404.

ClinVar aggregate classification (germline): Uncertain significance. Review status: criteria provided, multiple submitters, no conflicts (2 of 4 stars). 4 submissions from 4 submitters: Uncertain significance (3). 1 of the submissions does not count toward it. Last evaluated 2026-03-10.

Conditions:
NOTCH1-related disorder. Also called: NOTCH1-related condition; NOTCH1-related disorders.
Familial thoracic aortic aneurysm and aortic dissection (TAAD). Also called: Thoracic aortic aneurysms and dissections. Identifiers: Orphanet 91387, MedGen C4707243, MONDO:0019625.
Adams-Oliver syndrome 5 (AOS5). Identifiers: Orphanet 974, MedGen C4014970, MONDO:0014459, OMIM 616028.

Allele frequency attached by ClinVar (database versions not stated): gnomAD exomes below 0.00001; gnomAD 0.00001; TOPMed 0.00001.
gnomAD v4.1: 7 of 1,595,044 alleles (0.00044%); highest among the groups gnomAD compares: African/African-American, 0.0013%; no homozygotes.

Submissions (4):

GeneDx
Classification: Uncertain significance. Last evaluated: 2026-03-10. Review status: criteria provided, single submitter. Criteria: GeneDx Variant Classification Process June 2021. Collection method: clinical testing. Allele origin: germline.
Comment: Not observed at significant frequency in large population cohorts (gnomAD); In silico analysis suggests that this missense variant does not alter protein structure/function; Has not been previously published as pathogenic or benign to our knowledge

Labcorp Genetics (formerly Invitae), Labcorp
Classification: Uncertain significance for Adams-Oliver syndrome 5. Last evaluated: 2025-11-27. Review status: criteria provided, single submitter. Criteria: Invitae Variant Classification Sherloc (09022015). Collection method: clinical testing. Allele origin: germline.
Comment: This sequence change replaces valine, which is neutral and non-polar, with isoleucine, which is neutral and non-polar, at codon 2473 of the NOTCH1 protein (p.Val2473Ile). This variant is not present in population databases (gnomAD no frequency). This variant has not been reported in the literature in individuals affected with NOTCH1-related conditions. ClinVar contains an entry for this variant (Variation ID: 648273). Invitae Evidence Modeling of protein sequence and biophysical properties (such as structural, functional, and spatial information, amino acid conservation, physicochemical variation, residue mobility, and thermodynamic stability) indicates that this missense variant is not expected to disrupt NOTCH1 protein function with a negative predictive value of 80%. In summary, the available evidence is currently insufficient to determine the role of this variant in disease. Therefore, it has been classified as a Variant of Uncertain Significance.

Ambry Genetics
Classification: Uncertain significance for Familial thoracic aortic aneurysm and aortic dissection. Last evaluated: 2025-05-08. Review status: criteria provided, single submitter. Criteria: Ambry Variant Classification Scheme 2023. Collection method: clinical testing. Allele origin: germline.
Comment: The p.V2473I variant (also known as c.7417G>A), located in coding exon 34 of the NOTCH1 gene, results from a G to A substitution at nucleotide position 7417. The valine at codon 2473 is replaced by isoleucine, an amino acid with highly similar properties. This amino acid position is conserved. In addition, this alteration is predicted to be tolerated by in silico analysis. Based on the available evidence, the clinical significance of this variant remains unclear.

PreventionGenetics, part of Exact Sciences
Classification: Uncertain significance for NOTCH1-related condition. Last evaluated: 2023-12-15. Review status: no assertion criteria provided. Collection method: clinical testing. Allele origin: germline. Not counted in ClinVar's aggregate classification.
Comment: The NOTCH1 c.7417G>A variant is predicted to result in the amino acid substitution p.Val2473Ile. To our knowledge, this variant has not been reported in the literature or in a large population database, indicating this variant is rare. At this time, the clinical significance of this variant is uncertain due to the absence of conclusive functional and genetic evidence.